The following is an entry in ClinVar:

NM_001235.5(SERPINH1):c.744C>T (p.Asp248=)

Gene: SERPINH1 (serpin family H member 1; plus strand). Cytogenetic location: 11q13.5.
Variant type: single nucleotide variant.
Coding change: c.744C>T on transcript NM_001235.5 (MANE Select); coding-DNA position 744, C replaced by T.
Protein change: p.Asp248=; no amino-acid change (aspartic acid 248 retained).
Molecular consequence: synonymous variant.
Genome position (GRCh38, 1-based): chr11:75,568,961, C>T. VCF-style: chr11-75568961-C-T. GRCh37 (hg19) VCF-style: chr11-75280006-C-T.
Other names: c.744C>T, p.Asp248= (NM_001207014.3).
Identifiers: ClinVar variation 197191 (VCV000197191.53), dbSNP rs61733248, ClinGen allele CA202738.
Genomic context (GRCh38, chr11:75,568,961, plus strand): 5'-ACACAGGGTGCCCAGTGTCCTTTCCGCTCCTCTCCCAGGCCTCTACAACTACTACGACGA[C>T]GAGAAGGAAAAGCTGCAAATCGTGGAGATGCCCCTGGCCCACAAGCTCTCCAGCCTCATC-3'
Protein context (NP_001226.2, residues 238-258): HRTGLYNYYD[Asp248=]EKEKLQIVEM

ClinVar aggregate classification (germline): Conflicting classifications of pathogenicity. Review status: criteria provided, conflicting classifications (1 of 4 stars). 7 submissions from 7 submitters: Uncertain significance (1); Benign (4); Likely benign (2). Last evaluated 2026-02-01.

Conditions:
Osteogenesis imperfecta type 10 (OI10). Also called: OI, TYPE X. Identifiers: Orphanet 666, MedGen C3151211, MONDO:0013459, OMIM 613848.
Osteogenesis imperfecta (OI). Identifiers: Orphanet 666, MedGen C0029434, MeSH D010013, MONDO:0019019.

Allele frequency attached by ClinVar (database versions not stated): 1000 Genomes Project 30x 0.00125; 1000 Genomes Project 0.00160; TOPMed 0.00172; ESP Exome Variant Server 0.00223; gnomAD 0.00276 and 0.00285; ExAC 0.00317; gnomAD exomes 0.00325.
gnomAD v4.1: 4,862 of 1,613,986 alleles (0.3%); highest among the groups gnomAD compares: Non-Finnish European, 0.29%; 11 homozygotes.

Submissions (7):

Labcorp Genetics (formerly Invitae), Labcorp
Classification: Benign. Last evaluated: 2026-02-01. Review status: criteria provided, single submitter. Criteria: Invitae Variant Classification Sherloc (09022015). Collection method: clinical testing. Allele origin: germline.

CeGaT Center for Human Genetics Tuebingen
Classification: Likely benign. Last evaluated: 2025-08-01. Review status: criteria provided, single submitter. Criteria: CeGaT Center For Human Genetics Tuebingen Variant Classification Criteria Version 2. Collection method: clinical testing. Allele origin: germline. Affected: yes. Observed: 2 variant alleles.
Comment: SERPINH1: BP4, BP7

ARUP Laboratories, Molecular Genetics and Genomics, ARUP Laboratories
Classification: Benign. Last evaluated: 2023-11-09. Review status: criteria provided, single submitter. Criteria: ARUP Molecular Germline Variant Investigation Process 2024. Collection method: clinical testing. Allele origin: germline.

Genome Diagnostics Laboratory, The Hospital for Sick Children
Classification: Likely benign for Osteogenesis imperfecta. Last evaluated: 2022-03-15. Review status: criteria provided, single submitter. Criteria: ACMG Guidelines, 2015. Collection method: clinical testing. Allele origin: germline.

GeneDx
Classification: Benign. Last evaluated: 2019-05-20. Review status: criteria provided, single submitter. Criteria: GeneDx Variant Classification Process June 2021. Collection method: clinical testing. Allele origin: germline. Affected: yes.

Illumina Laboratory Services, Illumina
Classification: Uncertain significance for Osteogenesis imperfecta type 10. Last evaluated: 2018-01-13. Review status: criteria provided, single submitter. Criteria: ICSL Variant Classification Criteria 13 December 2019. Collection method: clinical testing. Allele origin: germline.

Eurofins Ntd Llc (ga)
Classification: Benign. Last evaluated: 2015-04-02. Review status: criteria provided, single submitter. Criteria: EGL Classification Definitions 2015. Collection method: clinical testing. Allele origin: germline. Observed: 2 variant alleles, 2 heterozygotes.